The following is an entry in ClinVar:

NM_003560.4(PLA2G6):c.1328C>T (p.Pro443Leu)

Gene: PLA2G6 (phospholipase A2 group VI; minus strand). Cytogenetic location: 22q13.1.
Variant type: single nucleotide variant.
Coding change: c.1328C>T on transcript NM_003560.4 (MANE Select); coding-DNA position 1328, C replaced by T.
Protein change: p.Pro443Leu; replaces proline 443 with leucine.
Molecular consequence: missense variant. On other transcripts: intron variant (5).
Genome position (GRCh38, 1-based): chr22:38,128,289, G>A on the plus strand (C>T on the coding strand, the complement: PLA2G6 is on the minus strand). VCF-style: chr22-38128289-G-A. GRCh37 (hg19) VCF-style: chr22-38524296-G-A.
Other names: p.Pro443Leu; c.1328C>T (NM_003560.3); c.1328C>T, p.Pro443Leu (NM_001349864.2); c.794C>T, p.Pro265Leu (NM_001349867.2); c.650C>T, p.Pro217Leu (NM_001349868.2); c.1186+1165C>T (NM_001349866.2, NM_001199562.3, NM_001349865.2 and 1 more transcripts); c.652+1165C>T (NM_001349869.2); short protein forms P217L, P265L, P443L.
Identifiers: ClinVar variation 1586168 (VCV001586168.14), dbSNP rs375740918, ClinGen allele CA10230951.

ClinVar aggregate classification (germline): Conflicting classifications of pathogenicity. Review status: criteria provided, conflicting classifications (1 of 4 stars). 3 submissions from 3 submitters: Uncertain significance (2); Likely benign (1). Last evaluated 2026-01-16.

Conditions:
Infantile neuroaxonal dystrophy (NBIA2A). Also called: NEURODEGENERATION WITH BRAIN IRON ACCUMULATION 2A; SEITELBERGER DISEASE; Infantile neuroaxonal dystrophy 1. Identifiers: Orphanet 35069, MedGen C0270724, MONDO:0024457, OMIM 256600.

Allele frequency attached by ClinVar (database versions not stated): gnomAD exomes 0.00005 and 0.00009; ExAC 0.00008; ESP Exome Variant Server 0.00008; TOPMed 0.00009; gnomAD 0.00010 and 0.00011.
gnomAD v4.1: 87 of 1,612,666 alleles (0.0054%); highest among the groups gnomAD compares: South Asian, 0.049%; 2 homozygotes.

Submissions (3):

Labcorp Genetics (formerly Invitae), Labcorp
Classification: Likely benign for Infantile neuroaxonal dystrophy. Last evaluated: 2026-01-16. Review status: criteria provided, single submitter. Criteria: Invitae Variant Classification Sherloc (09022015). Collection method: clinical testing. Allele origin: germline.

CeGaT Center for Human Genetics Tuebingen
Classification: Uncertain significance. Last evaluated: 2025-12-01. Review status: criteria provided, single submitter. Criteria: CeGaT Center For Human Genetics Tuebingen Variant Classification Criteria Version 2. Collection method: clinical testing. Allele origin: germline. Affected: yes. Observed: 1 variant allele.
Comment: PLA2G6: PM2:Supporting, BP4

Mayo Clinic Laboratories, Mayo Clinic
Classification: Uncertain significance. Last evaluated: 2022-06-06. Review status: criteria provided, single submitter. Criteria: ACMG Guidelines, 2015. Collection method: clinical testing. Allele origin: germline. Observed: 1 variant allele.
Comment: BP4